The following is an entry in ClinVar:

ClinVar aggregate classification (germline): Pathogenic. Review status: criteria provided, multiple submitters, no conflicts (2 of 4 stars). 2 submissions from 2 submitters: Pathogenic (2). Last evaluated 2026-01-27.

Conditions:
Primary ciliary dyskinesia 26. Also called: CILIARY DYSKINESIA, PRIMARY, 26, WITH OR WITHOUT SITUS INVERSUS; CILIARY DYSKINESIA, PRIMARY, 26, WITH SITUS INVERSUS; CILIARY DYSKINESIA, PRIMARY, 26, WITHOUT SITUS INVERSUS. Identifiers: Orphanet 244, MedGen C3809684, MONDO:0014211, OMIM 615500.

Allele frequency attached by ClinVar (database versions not stated): gnomAD 0.00001; gnomAD exomes 0.00001; ExAC 0.00002; TOPMed 0.00003.
gnomAD v4.1: 15 of 1,612,966 alleles (0.00093%); highest among the groups gnomAD compares: Admixed American, 0.015%; no homozygotes.

Submissions (2):

Labcorp Genetics (formerly Invitae), Labcorp
Classification: Pathogenic. Last evaluated: 2026-01-27. Review status: criteria provided, single submitter. Criteria: Invitae Variant Classification Sherloc (09022015). Collection method: clinical testing. Allele origin: germline.
Comment: This sequence change creates a premature translational stop signal (p.Gln225*) in the CFAP298 gene. It is expected to result in an absent or disrupted protein product. Loss-of-function variants in CFAP298 are known to be pathogenic (PMID: 24094744). This variant is present in population databases (rs750995181, gnomAD 0.03%). This variant has not been reported in the literature in individuals affected with CFAP298-related conditions. ClinVar contains an entry for this variant (Variation ID: 2071804). For these reasons, this variant has been classified as Pathogenic.

Revvity Omics, Revvity
Classification: Pathogenic for Primary ciliary dyskinesia 26. Last evaluated: 2019-09-17. Review status: criteria provided, single submitter. Criteria: ACMG Guidelines, 2015. Collection method: clinical testing. Allele origin: germline.

Literature cited by the submitters: PubMed 24094744 (cited by Labcorp Genetics (formerly Invitae), Labcorp).

NM_021254.4(CFAP298):c.673C>T (p.Gln225Ter)

Genes: CFAP298 (cilia and flagella associated protein 298; minus strand), CFAP298-TCP10L (CFAP298-TCP10L readthrough; minus strand). Cytogenetic location: 21q22.11.
Variant type: single nucleotide variant.
Coding change: c.673C>T on transcript NM_021254.4 (MANE Select); coding-DNA position 673, C replaced by T.
Protein change: p.Gln225Ter; replaces glutamine 225 with a stop codon.
Molecular consequence: nonsense. On other transcripts: 3 prime UTR variant (1), intron variant (2).
Genome position (GRCh38, 1-based): chr21:32,602,361, G>A on the plus strand (C>T on the coding strand, the complement: CFAP298 is on the minus strand). VCF-style: chr21-32602361-G-A. GRCh37 (hg19) VCF-style: chr21-33974671-G-A.
Other names: c.376C>T, p.Gln126Ter (NM_001350334.2); c.*728C>T (NM_001350335.2); c.673C>T, p.Gln225Ter (NM_001350337.2); c.666+800C>T (NM_001350338.2); c.667-388C>T (NM_001350336.2); short protein forms Q126*, Q225*.
Identifiers: ClinVar variation 2071804 (VCV002071804.7), dbSNP rs750995181, ClinGen allele CA10002755.
Genomic context (GRCh38, chr21:32,602,361, plus strand): 5'-ACAGCATCAGCTGCTTCTGCTCCTCACTGCTAATAATAGGCTCTCGGGCTGGAGCTCCCT[G>A]TCCCCTCTGCAAAGAGGAGAGCAGAGCAAATTGTGGATTAAGGTGTTCTTAGAGTGACAA-3'